The following is an entry in ClinVar:

ClinVar aggregate classification (germline): Uncertain significance (1 of 4 stars; one submission).

Conditions:
Glycogen storage disease, type II (IOPD). Also called: Pompe Disease; CARDIOMEGALIA GLYCOGENICA DIFFUSA; GLYCOGENOSIS, GENERALIZED, CARDIAC FORM; GSD II; POMPE DISEASE, INFANTILE-ONSET; GLYCOGEN STORAGE DISEASE II, INFANTILE-ONSET. Identifiers: Orphanet 365, MedGen C0017921, MONDO:0009290, OMIM 232300.

Submission:

Genomenon, Inc
Classification: Uncertain significance for Glycogen storage disease, type II. Last evaluated: 2026-07-01. Review status: criteria provided, single submitter. Criteria: Genomenon Sequence Variant Interpretation Standards - Updated. Collection method: curation. Allele origin: germline. Affected: yes.
Comment: GAA p.Leu328Pro (c.983T>C) is a missense variant that changes the amino acid at codon 328 from Leucine to Proline. This variant has been observed in at least one proband with a GAA-related disorder (PMID:28265479). It is absent or not present at a significant frequency in gnomAD. In silico models predict that this variant is possibly or probably damaging. In conclusion, we classify GAA p.Leu328Pro (c.983T>C) as a variant of uncertain significance.

Literature cited by the submitters: PubMed 28265479.

NM_000152.5(GAA):c.983T>C (p.Leu328Pro)

Gene: GAA (alpha glucosidase; plus strand). Cytogenetic location: 17q25.3.
Variant type: single nucleotide variant.
Coding change: c.983T>C on transcript NM_000152.5 (MANE Select); coding-DNA position 983, T replaced by C.
Protein change: p.Leu328Pro; replaces leucine 328 with proline.
Molecular consequence: missense variant.
Genome position (GRCh38, 1-based): chr17:80,108,317, T>C. VCF-style: chr17-80108317-T-C. GRCh37 (hg19) VCF-style: chr17-78082116-T-C.
Other names: c.983T>C, p.Leu328Pro (NM_001079803.3, NM_001079804.3, NM_001406741.1 and 1 more transcripts); short protein forms L328P.
Identifiers: ClinVar variation 4876577 (VCV004876577.1).